The following is an entry in ClinVar:

ClinVar aggregate classification (germline): Uncertain significance (1 of 4 stars; one submission).

Conditions:
Cardiovascular phenotype. Identifiers: MedGen CN230736.

Submission:

Ambry Genetics
Classification: Uncertain significance for Cardiovascular phenotype. Last evaluated: 2024-01-12. Review status: criteria provided, single submitter. Criteria: Ambry Variant Classification Scheme 2023. Collection method: clinical testing. Allele origin: germline.
Comment: The p.L145P variant (also known as c.434T>C), located in coding exon 4 of the LCAT gene, results from a T to C substitution at nucleotide position 434. The leucine at codon 145 is replaced by proline, an amino acid with similar properties. This amino acid position is conserved. In addition, this alteration is predicted to be deleterious by in silico analysis. Since supporting evidence is limited at this time, the clinical significance of this alteration remains unclear.

NM_000229.2(LCAT):c.434T>C (p.Leu145Pro)

Gene: LCAT (lecithin-cholesterol acyltransferase; minus strand). Cytogenetic location: 16q22.1.
Variant type: single nucleotide variant.
Coding change: c.434T>C on transcript NM_000229.2 (MANE Select); coding-DNA position 434, T replaced by C.
Protein change: p.Leu145Pro; replaces leucine 145 with proline.
Molecular consequence: missense variant.
Genome position (GRCh38, 1-based): chr16:67,942,760, A>G on the plus strand (T>C on the coding strand, the complement: LCAT is on the minus strand). VCF-style: chr16-67942760-A-G. GRCh37 (hg19) VCF-style: chr16-67976663-A-G.
Other names: short protein forms L145P.
Identifiers: ClinVar variation 3230702 (VCV003230702.1), dbSNP rs2544406628, ClinGen allele CA396380434.